The following is an entry in ClinVar:

ClinVar aggregate classification (germline): Likely benign (1 of 4 stars; one submission).

Allele frequency attached by ClinVar (database versions not stated): gnomAD 0.00017; gnomAD exomes 0.00023; TOPMed 0.00026; ESP Exome Variant Server 0.00031; ExAC 0.00032.
gnomAD v4.1: 386 of 1,613,454 alleles (0.024%); highest among the groups gnomAD compares: Middle Eastern, 0.43%; no homozygotes.

Submission:

CeGaT Center for Human Genetics Tuebingen
Classification: Likely benign. Last evaluated: 2026-03-01. Review status: criteria provided, single submitter. Criteria: CeGaT Center For Human Genetics Tuebingen Variant Classification Criteria Version 2. Collection method: clinical testing. Allele origin: germline. Affected: yes. Observed: 1 variant allele.
Comment: NOS3: BP4, BP7

NM_000603.5(NOS3):c.1602C>T (p.Tyr534=)

Genes: NOS3 (nitric oxide synthase 3; plus strand), LOC126860224 (CDK7 strongly-dependent group 2 enhancer GRCh37_chr7:150698330-150699529; plus strand). Cytogenetic location: 7q36.1.
Variant type: single nucleotide variant.
Coding change: c.1602C>T on transcript NM_000603.5 (MANE Select); coding-DNA position 1602, C replaced by T.
Protein change: p.Tyr534=; no amino-acid change (tyrosine 534 retained).
Molecular consequence: synonymous variant.
Genome position (GRCh38, 1-based): chr7:151,001,920, C>T. VCF-style: chr7-151001920-C-T. GRCh37 (hg19) VCF-style: chr7-150699008-C-T.
Other names: c.1602C>T, p.Tyr534= (NM_001160111.1, NM_001160110.1, NM_001160109.2).
Identifiers: ClinVar variation 2658165 (VCV002658165.24), dbSNP rs370755105, ClinGen allele CA4567039.